The following is an entry in ClinVar:

NM_000463.3(UGT1A1):c.625C>T (p.Arg209Trp)

Genes: UGT1A8 (UDP glucuronosyltransferase family 1 member A8; plus strand), UGT1A1 (UDP glucuronosyltransferase family 1 member A1; plus strand), UGT1A9 (UDP glucuronosyltransferase family 1 member A9; plus strand), UGT1A10 (UDP glucuronosyltransferase family 1 member A10; plus strand), UGT1A3 (UDP glucuronosyltransferase family 1 member A3; plus strand) and 5 more. Cytogenetic location: 2q37.1.
Variant type: single nucleotide variant.
Coding change: c.625C>T on transcript NM_000463.3 (MANE Select); coding-DNA position 625, C replaced by T.
Protein change: p.Arg209Trp; replaces arginine 209 with tryptophan.
Molecular consequence: missense variant. On other transcripts: intron variant (9).
Genome position (GRCh38, 1-based): chr2:233,760,912, C>T. VCF-style: chr2-233760912-C-T. GRCh37 (hg19) VCF-style: chr2-234669558-C-T.
Other names: UGT1A1*8; c.856-6122C>T (NM_019076.5, NM_019075.4, NM_021027.3 and 1 more transcripts); c.61-6122C>T (NM_205862.3); c.862-6122C>T (NM_001072.4); c.868-6122C>T (NM_019078.2, NM_007120.3, NM_019093.4); short protein forms R209W.
Identifiers: ClinVar variation 437211 (VCV000437211.16), dbSNP rs72551343, ClinGen allele CA2179856.
Genomic context (GRCh38, chr2:233,760,912, plus strand): 5'-CCATTCTCCTACGTGCCCAGGCCTCTCTCCTCTCATTCAGATCACATGACCTTCCTGCAG[C>T]GGGTGAAGAACATGCTCATTGCCTTTTCACAGAACTTTCTGTGCGACGTGGTTTATTCCC-3'
Protein context (NP_000454.1, residues 199-219): SHSDHMTFLQ[Arg209Trp]VKNMLIAFSQ

ClinVar aggregate classification (germline): Pathogenic/Likely pathogenic. Review status: criteria provided, multiple submitters, no conflicts (2 of 4 stars). 9 submissions from 9 submitters: Pathogenic (4); Likely pathogenic (5). Last evaluated 2025-08-12.

Conditions:
UGT1A1-related disorder. Also called: UGT1A1-related disorders; UGT1A1-related condition.
Crigler-Najjar syndrome. Identifiers: Orphanet 205, MedGen C5551003, MONDO:0009044.
Crigler-Najjar syndrome, type II. Also called: Crigler Najjar syndrome, type 2; Mutation in the UDP-glucuronosyl-transferase gene; HYPERBILIRUBINEMIA, CRIGLER-NAJJAR TYPE II. Identifiers: Orphanet 205, Orphanet 79235, MedGen C2931132, MONDO:0011725, OMIM 606785.
Inborn genetic diseases. Identifiers: MedGen C0950123, MeSH D030342.
BILIRUBIN, SERUM LEVEL OF, QUANTITATIVE TRAIT LOCUS 1 (BILIQTL1). Identifiers: MedGen C1866173, OMIM 601816.
Lucey-Driscoll syndrome (HBLRTFN). Also called: Transient familial neonatal hyperbilirubinemia. Identifiers: Orphanet 2312, MedGen C0270210, MONDO:0009383, OMIM 237900.
Crigler-Najjar syndrome type 1. Also called: HYPERBILIRUBINEMIA, CRIGLER-NAJJAR TYPE I. Identifiers: Orphanet 79234, MedGen C0010324, MONDO:0021020, OMIM 218800.
Gilbert syndrome. Also called: Gilbert Disease; HYPERBILIRUBINEMIA, GILBERT TYPE; Gilbert's syndrome; HYPERBILIRUBINEMIA I; HYPERBILIRUBINEMIA, ARIAS TYPE. Identifiers: MedGen C0017551, MONDO:0007745, OMIM 143500.

Allele frequency attached by ClinVar (database versions not stated): TOPMed 0.00001; gnomAD exomes 0.00002.
gnomAD v4.1: 23 of 1,614,070 alleles (0.0014%); highest among the groups gnomAD compares: South Asian, 0.015%; 1 homozygote.

Submissions (9):

PreventionGenetics, part of Exact Sciences
Classification: Likely pathogenic for UGT1A1-related condition. Last evaluated: 2025-08-12. Review status: criteria provided, single submitter. Criteria: ACMG Guidelines, 2015. Collection method: clinical testing. Allele origin: germline.
Comment: The UGT1A1 c.625C>T variant is predicted to result in the amino acid substitution p.Arg209Trp. This variant was reported in the homozygous state in two related individuals with Crigler-Najjar syndrome 2 (Bosma et al. 1993. PubMed ID: 8514037; Sneitz et al. 2010. PubMed ID: 19830808), and in the homozygous state in another individual with Crigler-Najjar syndrome type II (Yamamoto et al. 1998. PubMed ID: 9621515). This variant was also reported, along with a second plausible causative variant, in patients with Crigler-Najjar syndrome types I or II (Bai et al. 2021. PubMed ID: 34007799; Abuduxikuer et al. 2018. PubMed ID: 30544479). Lastly, this variant was described in another individual who presented with Crigler-Najjar syndrome; however, a second plausible causative variant was not identified (Perretti et al. 2007. PubMed ID: 18058623). The c.625C>T variant is reported in 0.023% of alleles in individuals of South Asian descent in gnomAD, including one homozygote. This variant is interpreted as likely pathogenic.

Labcorp Genetics (formerly Invitae), Labcorp
Classification: Pathogenic. Last evaluated: 2025-08-02. Review status: criteria provided, single submitter. Criteria: Invitae Variant Classification Sherloc (09022015). Collection method: clinical testing. Allele origin: germline.
Comment: This sequence change replaces arginine, which is basic and polar, with tryptophan, which is neutral and slightly polar, at codon 209 of the UGT1A1 protein (p.Arg209Trp). This variant is present in population databases (rs72551343, gnomAD 0.02%). This missense change has been observed in individuals with UGT1A1-related hyperbilirubinemia (PMID: 8514037, 9621515, 26250421). It has also been observed to segregate with disease in related individuals. ClinVar contains an entry for this variant (Variation ID: 437211). Invitae Evidence Modeling of protein sequence and biophysical properties (such as structural, functional, and spatial information, amino acid conservation, physicochemical variation, residue mobility, and thermodynamic stability) indicates that this missense variant is expected to disrupt UGT1A1 protein function with a positive predictive value of 80%. Experimental studies have shown that this missense change affects UGT1A1 function (PMID: 19830808). For these reasons, this variant has been classified as Pathogenic.

Fulgent Genetics
Classification: Likely pathogenic for Gilbert syndrome; Crigler-Najjar syndrome type 1; Lucey-Driscoll syndrome; BILIRUBIN, SERUM LEVEL OF, QUANTITATIVE TRAIT LOCUS 1; Crigler-Najjar syndrome, type II. Last evaluated: 2024-03-12. Review status: criteria provided, single submitter. Criteria: ACMG Guidelines, 2015. Collection method: clinical testing. Allele origin: germline.

Blueprint Genetics
Classification: Pathogenic for UGT1A1-related disorders. Last evaluated: 2023-05-09. Review status: criteria provided, single submitter. Criteria: ACMG Guidelines, 2015. Collection method: clinical testing. Allele origin: germline. Affected: yes. Observed: 2 variant alleles.

Dubai Health Genomic Medicine Center, Dubai Health
Classification: Likely pathogenic. Last evaluated: 2022-12-17. Review status: criteria provided, single submitter. Criteria: ACMG Guidelines, 2015. Collection method: clinical testing. Allele origin: germline. Affected: yes.

Genetic Diagnostics Department, Viafet Genomics Laboratory
Classification: Pathogenic for Crigler-Najjar syndrome, type II. Last evaluated: 2021-08-23. Review status: criteria provided, single submitter. Criteria: ACMG Guidelines, 2015. Collection method: clinical testing. Allele origin: germline. Inheritance: Autosomal recessive inheritance. Affected: yes. Observed: 1 variant allele, 1 homozygote.
Comment: This variant has been identified in a homozygous state in patients affected with Crigler-Najjar syndrome (PMIDs: 8514037, 9621515 and 19830808). In addition, functional study performed by Sneitz et al., 2010 has shown a significant decrease in Bilirubin glucuronidation activity compared to the wildtype (PMID: 19830808).

Genetic Services Laboratory, University of Chicago
Classification: Likely pathogenic for Crigler-Najjar syndrome. Last evaluated: 2017-06-23. Review status: criteria provided, single submitter. Criteria: ACMG Guidelines, 2015. Collection method: clinical testing. Allele origin: germline. Affected: yes.

Ambry Genetics
Classification: Pathogenic for Inborn genetic diseases. Last evaluated: 2016-11-16. Review status: criteria provided, single submitter. Criteria: Ambry exome assertion method (8-5-2015). Collection method: clinical testing. Allele origin: germline. Affected: yes. Observed: 1 variant allele.

Juno Genomics, Hangzhou Juno Genomics, Inc
Classification: Likely pathogenic for BILIRUBIN, SERUM LEVEL OF, QUANTITATIVE TRAIT LOCUS 1; Gilbert syndrome; Crigler-Najjar syndrome type 1; Crigler-Najjar syndrome, type II; Lucey-Driscoll syndrome. Review status: criteria provided, single submitter. Criteria: ACMG Guidelines, 2015. Collection method: clinical testing. Allele origin: germline.
Comment: Absent from controls (or at extremely low frequency if recessive) in Genome Aggregation Database.;Multiple lines of computational evidence support a deleterious effect on the gene or gene product.;For recessive disorders, detected in trans with a pathogenic variant.;Patient's phenotype or family history is highly specific for a disease with a single genetic etiology.

Literature cited by the submitters: PubMed 8514037 (cited by Labcorp Genetics (formerly Invitae), Labcorp and Genetic Diagnostics Department, Viafet Genomics Laboratory); PubMed 9621515 (cited by Labcorp Genetics (formerly Invitae), Labcorp and Genetic Diagnostics Department, Viafet Genomics Laboratory); PubMed 26250421 (cited by Labcorp Genetics (formerly Invitae), Labcorp); PubMed 19830808 (cited by Labcorp Genetics (formerly Invitae), Labcorp and Genetic Diagnostics Department, Viafet Genomics Laboratory); PubMed 18058623 (cited by Genetic Diagnostics Department, Viafet Genomics Laboratory).